The following is an entry in ClinVar:

NM_017950.4(CCDC40):c.1486A>T (p.Met496Leu)

Gene: CCDC40 (coiled-coil domain 40 molecular ruler complex subunit; plus strand). Cytogenetic location: 17q25.3.
Variant type: single nucleotide variant.
Coding change: c.1486A>T on transcript NM_017950.4 (MANE Select); coding-DNA position 1486, A replaced by T.
Protein change: p.Met496Leu; replaces methionine 496 with leucine.
Molecular consequence: missense variant.
Genome position (GRCh38, 1-based): chr17:80,065,530, A>T. VCF-style: chr17-80065530-A-T. GRCh37 (hg19) VCF-style: chr17-78039329-A-T.
Other names: c.1486A>T, p.Met496Leu (NM_001243342.2, NM_001330508.2); short protein forms M496L.
Identifiers: ClinVar variation 2042859 (VCV002042859.4), dbSNP rs2038020680, ClinGen allele CA401326781.
Genomic context (GRCh38, chr17:80,065,530, plus strand): 5'-CCCTGTTGGCTGCAGGCCTGCACCGAGATCGACGCCATCAGCGTGGAGAAGAGGCGCATC[A>T]TGCAGCAATGGGCCAGCAGCCTGGTGGGCATGAAGCACCGCGACGAGGCGCACAGGGCGG-3'
Protein context (NP_060420.2, residues 486-506): DAISVEKRRI[Met496Leu]QQWASSLVGM

ClinVar aggregate classification (germline): Uncertain significance (1 of 4 stars; one submission).

Conditions:
Primary ciliary dyskinesia. Also called: Ciliary dyskinesia. Identifiers: Orphanet 244, MedGen C0008780, MONDO:0016575, HP:0012265.

Allele frequency attached by ClinVar (database versions not stated): gnomAD exomes below 0.00001; TOPMed 0.00001.
gnomAD v4.1: 3 of 1,613,032 alleles (0.00019%); highest among the groups gnomAD compares: Non-Finnish European, 0.00025%; no homozygotes.

Submission:

Labcorp Genetics (formerly Invitae), Labcorp
Classification: Uncertain significance for Primary ciliary dyskinesia. Last evaluated: 2022-05-08. Review status: criteria provided, single submitter. Criteria: Invitae Variant Classification Sherloc (09022015). Collection method: clinical testing. Allele origin: germline.
Comment: This variant is not present in population databases (gnomAD no frequency). This variant has not been reported in the literature in individuals affected with CCDC40-related conditions. Algorithms developed to predict the effect of missense changes on protein structure and function output the following: SIFT: "Tolerated"; PolyPhen-2: "Benign"; Align-GVGD: "Class C0". The leucine amino acid residue is found in multiple mammalian species, which suggests that this missense change does not adversely affect protein function. In summary, the available evidence is currently insufficient to determine the role of this variant in disease. Therefore, it has been classified as a Variant of Uncertain Significance. This sequence change replaces methionine, which is neutral and non-polar, with leucine, which is neutral and non-polar, at codon 496 of the CCDC40 protein (p.Met496Leu).